The following is an entry in ClinVar:

NM_145068.4(TRPV3):c.2278+10C>T

Gene: TRPV3 (transient receptor potential cation channel subfamily V member 3; minus strand). Cytogenetic location: 17p13.2.
Variant type: single nucleotide variant.
Coding change: c.2278+10C>T on transcript NM_145068.4 (MANE Select); 10 bases into the intron after coding-DNA position 2278, C replaced by T.
Molecular consequence: intron variant.
Genome position (GRCh38, 1-based): chr17:3,514,583, G>A on the plus strand (C>T on the coding strand, the complement: TRPV3 is on the minus strand). VCF-style: chr17-3514583-G-A. GRCh37 (hg19) VCF-style: chr17-3417877-G-A.
Other names: c.2278+10C>T (NM_001258205.2).
Identifiers: ClinVar variation 322755 (VCV000322755.14), dbSNP rs112791047, ClinGen allele CA8289143.
Genomic context (GRCh38, chr17:3,514,583, plus strand): 5'-GACTTGATCTGCCCAAGGTTACATGGTCTGAGACAGGAGCGGACACCATGTCACCTCACA[G>A]CGACAGTACCTGTTCGTCTTACAGGCCCCGGGTCTTCGTTAAGGAAGGAGACGTGCGTCT-3'

ClinVar aggregate classification (germline): Benign. Review status: criteria provided, multiple submitters, no conflicts (2 of 4 stars). 3 submissions from 3 submitters: Benign (3). Last evaluated 2025-12-17.

Conditions:
Isolated focal non-epidermolytic palmoplantar keratoderma. Also called: Palmoplantar keratoderma, nonepidermolytic, focal 2. Identifiers: Orphanet 448264, MedGen C4225339, MONDO:0014622, OMIM 616400.

Allele frequency attached by ClinVar (database versions not stated): gnomAD exomes 0.00127 and 0.00370; ExAC 0.00416; 1000 Genomes Project 0.00958; 1000 Genomes Project 30x 0.01077; gnomAD 0.01104 and 0.01185; TOPMed 0.01243; ESP Exome Variant Server 0.01361.
gnomAD v4.1: 3,583 of 1,609,186 alleles (0.22%); highest among the groups gnomAD compares: African/African-American, 3.8%; 76 homozygotes.

Submissions (3):

Labcorp Genetics (formerly Invitae), Labcorp
Classification: Benign. Last evaluated: 2025-12-17. Review status: criteria provided, single submitter. Criteria: Invitae Variant Classification Sherloc (09022015). Collection method: clinical testing. Allele origin: germline.

Illumina Laboratory Services, Illumina
Classification: Benign for Isolated focal non-epidermolytic palmoplantar keratoderma. Last evaluated: 2018-01-13. Review status: criteria provided, single submitter. Criteria: ICSL Variant Classification Criteria 13 December 2019. Collection method: clinical testing. Allele origin: germline.
Comment: This variant was observed in the ICSL laboratory as part of a predisposition screen in an ostensibly healthy population. It had not been previously curated by ICSL or reported in the Human Gene Mutation Database (HGMD: prior to June 1st, 2018), and was therefore a candidate for classification through an automated scoring system. Utilizing variant allele frequency, disease prevalence and penetrance estimates, and inheritance mode, an automated score was calculated to assess if this variant is too frequent to cause the disease. Based on the score and internal cut-off values, a variant classified as benign is not then subjected to further curation. The score for this variant resulted in a classification of benign for this disease.

Breakthrough Genomics
Classification: Benign. Review status: criteria provided, single submitter. Criteria: ACMG Guidelines, 2015. Collection method: not provided. Allele origin: germline. Inheritance: Autosomal dominant inheritance. Affected: yes.